The following is an entry in ClinVar:

ClinVar aggregate classification (germline): Likely benign (1 of 4 stars; one submission).

gnomAD v4.1: 2 of 1,608,618 alleles (0.00012%); highest among the groups gnomAD compares: South Asian, 0.0011%; no homozygotes.

Submission:

GeneDx
Classification: Likely benign. Last evaluated: 2016-04-04. Review status: criteria provided, single submitter. Criteria: GeneDx Variant Classification (06012015). Collection method: clinical testing. Allele origin: germline. Affected: yes.
Comment: This variant is considered likely benign or benign based on one or more of the following criteria: it is a conservative change, it occurs at a poorly conserved position in the protein, it is predicted to be benign by multiple in silico algorithms, and/or has population frequency not consistent with disease.

NM_002485.5(NBN):c.-46C>G

Gene: NBN (nibrin; minus strand). Cytogenetic location: 8q21.3.
Variant type: single nucleotide variant.
Coding change: c.-46C>G on transcript NM_002485.5 (MANE Select); 46 bases upstream of the start codon, C replaced by G.
Molecular consequence: 5 prime UTR variant.
Genome position (GRCh38, 1-based): chr8:89,984,607, G>C on the plus strand (C>G on the coding strand, the complement: NBN is on the minus strand). VCF-style: chr8-89984607-G-C. GRCh37 (hg19) VCF-style: chr8-90996835-G-C.
Other names: c.-342C>G (NM_001024688.3).
Identifiers: ClinVar variation 385312 (VCV000385312.1), dbSNP rs751549166, ClinGen allele CA16605442.